The following is an entry in ClinVar:

ClinVar aggregate classification (germline): Likely pathogenic (1 of 4 stars; one submission).

Conditions:
Familial thoracic aortic aneurysm and aortic dissection (TAAD). Also called: Thoracic aortic aneurysms and dissections. Identifiers: Orphanet 91387, MedGen C4707243, MONDO:0019625.
Marfan syndrome (MFS). Also called: FBN1-Related Marfan Syndrome; Marfan's syndrome; MARFAN SYNDROME, TYPE I; Marfan syndrome type 1; Marfan syndrome, classic. Identifiers: Orphanet 284963, Orphanet 558, MedGen C0024796, MONDO:0007947, OMIM 154700.

Submission:

Labcorp Genetics (formerly Invitae), Labcorp
Classification: Likely pathogenic for Marfan syndrome; Familial thoracic aortic aneurysm and aortic dissection. Last evaluated: 2023-03-10. Review status: criteria provided, single submitter. Criteria: Invitae Variant Classification Sherloc (09022015). Collection method: clinical testing. Allele origin: germline.
Comment: This sequence change replaces glutamic acid, which is acidic and polar, with glycine, which is neutral and non-polar, at codon 1241 of the FBN1 protein (p.Glu1241Gly). This variant is not present in population databases (gnomAD no frequency). This missense change has been observed in individual(s) with Marfan syndrome (PMID: 19293843; Invitae). ClinVar contains an entry for this variant (Variation ID: 851489). Advanced modeling of protein sequence and biophysical properties (such as structural, functional, and spatial information, amino acid conservation, physicochemical variation, residue mobility, and thermodynamic stability) performed at Invitae indicates that this missense variant is expected to disrupt FBN1 protein function. In summary, the currently available evidence indicates that the variant is pathogenic, but additional data are needed to prove that conclusively. Therefore, this variant has been classified as Likely Pathogenic.

Literature cited by the submitters: PubMed 19293843.

NM_000138.5(FBN1):c.3722A>G (p.Glu1241Gly)

Gene: FBN1 (fibrillin 1; minus strand). Cytogenetic location: 15q21.1.
Variant type: single nucleotide variant.
Coding change: c.3722A>G on transcript NM_000138.5 (MANE Select); coding-DNA position 3722, A replaced by G.
Protein change: p.Glu1241Gly; replaces glutamic acid 1241 with glycine.
Molecular consequence: missense variant.
Genome position (GRCh38, 1-based): chr15:48,483,934, T>C on the plus strand (A>G on the coding strand, the complement: FBN1 is on the minus strand). VCF-style: chr15-48483934-T-C. GRCh37 (hg19) VCF-style: chr15-48776131-T-C.
Other names: short protein forms E1241G.
Identifiers: ClinVar variation 851489 (VCV000851489.9), dbSNP rs2043485666, ClinGen allele CA392324199.